The following is an entry in ClinVar:

NM_006859.4(LIAS):c.608+9T>G

Gene: LIAS (lipoic acid synthetase; plus strand). Cytogenetic location: 4p14.
Variant type: single nucleotide variant.
Coding change: c.608+9T>G on transcript NM_006859.4 (MANE Select); 9 bases into the intron after coding-DNA position 608, T replaced by G.
Molecular consequence: intron variant.
Genome position (GRCh38, 1-based): chr4:39,465,351, T>G. VCF-style: chr4-39465351-T-G. GRCh37 (hg19) VCF-style: chr4-39466971-T-G.
Other names: c.608+9T>G (NM_194451.3, NM_001278590.2); c.299+1746T>G (NM_001363700.2).
Identifiers: ClinVar variation 3344617 (VCV003344617.1).
Genomic context (GRCh38, chr4:39,465,351, plus strand): 5'-CTGATGGGGGAGCTGAACACATTGCAAAGACCGTATCATATTTAAAGGAAAGGTACTTAT[T>G]TTTGCATTTGTGTAATTTAAGGACCTTTTTGGACCCATATGAGTTAAGTTTAAGTTCATT-3'

ClinVar aggregate classification (germline): Likely benign (0 of 4 stars; one submission).

Conditions:
LIAS-related disorder. Also called: LIAS-related condition.

gnomAD v4.1: 5 of 1,604,840 alleles (0.00031%); highest among the groups gnomAD compares: Non-Finnish European, 0.00042%; no homozygotes.

Submission:

PreventionGenetics, part of Exact Sciences
Classification: Likely benign for LIAS-related condition. Last evaluated: 2024-07-29. Review status: no assertion criteria provided. Collection method: clinical testing. Allele origin: germline.
Comment: This variant is classified as likely benign based on ACMG/AMP sequence variant interpretation guidelines (Richards et al. 2015 PMID: 25741868, with internal and published modifications).